The following is an entry in ClinVar:

ClinVar aggregate classification (germline): Likely benign (0 of 4 stars; one submission).

Conditions:
SPNS2-related disorder. Also called: SPNS2-related condition.

gnomAD v4.1: 42 of 1,613,794 alleles (0.0026%); highest among the groups gnomAD compares: Admixed American, 0.025%; no homozygotes.

Submission:

PreventionGenetics, part of Exact Sciences
Classification: Likely benign for SPNS2-related condition. Last evaluated: 2024-06-25. Review status: no assertion criteria provided. Collection method: clinical testing. Allele origin: germline.
Comment: This variant is classified as likely benign based on ACMG/AMP sequence variant interpretation guidelines (Richards et al. 2015 PMID: 25741868, with internal and published modifications).

NM_001124758.3(SPNS2):c.792+5G>A

Gene: SPNS2 (SPNS lysolipid transporter 2, sphingosine-1-phosphate; plus strand). Cytogenetic location: 17p13.2.
Variant type: single nucleotide variant.
Coding change: c.792+5G>A on transcript NM_001124758.3 (MANE Select); 5 bases into the intron after coding-DNA position 792, G replaced by A.
Molecular consequence: intron variant.
Genome position (GRCh38, 1-based): chr17:4,531,124, G>A. VCF-style: chr17-4531124-G-A. GRCh37 (hg19) VCF-style: chr17-4434419-G-A.
Identifiers: ClinVar variation 3356789 (VCV003356789.1).